The following is an entry in ClinVar:

ClinVar aggregate classification (germline): Uncertain significance (1 of 4 stars; one submission).

Submission:

Labcorp Genetics (formerly Invitae), Labcorp
Classification: Uncertain significance. Last evaluated: 2022-09-07. Review status: criteria provided, single submitter. Criteria: Invitae Variant Classification Sherloc (09022015). Collection method: clinical testing. Allele origin: germline.
Comment: ClinVar contains an entry for this variant (Variation ID: 1479093). In summary, the available evidence is currently insufficient to determine the role of this variant in disease. Therefore, it has been classified as a Variant of Uncertain Significance. Algorithms developed to predict the effect of missense changes on protein structure and function (SIFT, PolyPhen-2, Align-GVGD) all suggest that this variant is likely to be disruptive. This variant has not been reported in the literature in individuals affected with TMEM107-related conditions. This variant is not present in population databases (gnomAD no frequency). This sequence change replaces tryptophan, which is neutral and slightly polar, with leucine, which is neutral and non-polar, at codon 27 of the TMEM107 protein (p.Trp27Leu).

NM_183065.4(TMEM107):c.80G>T (p.Trp27Leu)

Genes: TMEM107 (transmembrane protein 107; minus strand), LOC105371520 (uncharacterized LOC105371520; plus strand). Cytogenetic location: 17p13.1.
Variant type: single nucleotide variant.
Coding change: c.80G>T on transcript NM_183065.4 (MANE Select); coding-DNA position 80, G replaced by T.
Protein change: p.Trp27Leu; replaces tryptophan 27 with leucine.
Molecular consequence: missense variant. On other transcripts: non-coding transcript variant (1).
Genome position (GRCh38, 1-based): chr17:8,176,207, C>A on the plus strand (G>T on the coding strand, the complement: TMEM107 is on the minus strand). VCF-style: chr17-8176207-C-A. GRCh37 (hg19) VCF-style: chr17-8079525-C-A.
Other names: c.80G>T, p.Trp27Leu (NM_001351278.2, NM_001351279.2, NM_001351280.2 and 1 more transcripts); short protein forms W27L.
Identifiers: ClinVar variation 1479093 (VCV001479093.6), dbSNP rs765044785, ClinGen allele CA397972183.